The following is an entry in ClinVar:

NM_001972.4(ELANE):c.182C>A (p.Ala61Glu)

Gene: ELANE (elastase, neutrophil expressed; plus strand). Cytogenetic location: 19p13.3.
Variant type: single nucleotide variant.
Coding change: c.182C>A on transcript NM_001972.4 (MANE Select); coding-DNA position 182, C replaced by A.
Protein change: p.Ala61Glu; replaces alanine 61 with glutamic acid.
Molecular consequence: missense variant.
Genome position (GRCh38, 1-based): chr19:852,990, C>A. VCF-style: chr19-852990-C-A. GRCh37 (hg19) VCF-style: chr19-852990-C-A.
Other names: short protein forms A61E.
Identifiers: ClinVar variation 2037000 (VCV002037000.4), dbSNP rs137854447, ClinGen allele CA9025948.

ClinVar aggregate classification (germline): Uncertain significance (1 of 4 stars; one submission).

Conditions:
Cyclical neutropenia. Also called: Cyclic hematopoiesis; Cyclic Neutropenia. Identifiers: Orphanet 2686, MedGen C0221023, MONDO:0008090, OMIM 162800, HP:0040289. Disease mechanism: loss of function.
Neutropenia, severe congenital, 1, autosomal dominant. Identifiers: MedGen C1859966, MONDO:0042490, OMIM 202700.

gnomAD v4.1: 1 of 1,579,778 alleles (0.000063%); highest among the groups gnomAD compares: Non-Finnish European, 0.000085%; no homozygotes.

Submission:

Labcorp Genetics (formerly Invitae), Labcorp
Classification: Uncertain significance for Neutropenia, severe congenital, 1, autosomal dominant; Cyclical neutropenia. Last evaluated: 2022-04-14. Review status: criteria provided, single submitter. Criteria: Invitae Variant Classification Sherloc (09022015). Collection method: clinical testing. Allele origin: germline.
Comment: In summary, the available evidence is currently insufficient to determine the role of this variant in disease. Therefore, it has been classified as a Variant of Uncertain Significance. This variant disrupts the p.Ala61 amino acid residue in ELANE. Other variant(s) that disrupt this residue have been determined to be pathogenic (PMID: 10581030, 11675333, 19036076, 23463630, 25703294). This suggests that this residue is clinically significant, and that variants that disrupt this residue are likely to be disease-causing. Algorithms developed to predict the effect of missense changes on protein structure and function are either unavailable or do not agree on the potential impact of this missense change (SIFT: "Deleterious"; PolyPhen-2: "Possibly Damaging"; Align-GVGD: "Class C0"). This variant has not been reported in the literature in individuals affected with ELANE-related conditions. This variant is not present in population databases (gnomAD no frequency). This sequence change replaces alanine, which is neutral and non-polar, with glutamic acid, which is acidic and polar, at codon 61 of the ELANE protein (p.Ala61Glu).

Literature cited by the submitters: PubMed 10581030; PubMed 11675333; PubMed 19036076; PubMed 23463630; PubMed 25703294.